The following is an entry in ClinVar:

NM_004168.4(SDHA):c.1064+1G>T

Gene: SDHA (succinate dehydrogenase complex flavoprotein subunit A; plus strand). Cytogenetic location: 5p15.33.
Variant type: single nucleotide variant.
Coding change: c.1064+1G>T on transcript NM_004168.4 (MANE Select); the canonical splice donor site of the intron after coding-DNA position 1064, G replaced by T.
Molecular consequence: splice donor variant.
Genome position (GRCh38, 1-based): chr5:233,646, G>T. VCF-style: chr5-233646-G-T. GRCh37 (hg19) VCF-style: chr5-233761-G-T.
Other names: c.1064+1G>T (NM_001330758.2); c.920+1G>T (NM_001294332.2).
Identifiers: ClinVar variation 651626 (VCV000651626.9), dbSNP rs1579402807, ClinGen allele CA359013033.
Genomic context (GRCh38, chr5:233,646, plus strand): 5'-GGACCTGGCGTCTAGAGATGTGGTGTCTCGGTCCATGACTCTGGAGATCCGAGAAGGAAG[G>T]TGCGTGTGATTTACCACCAGCACTGTCTGAGCGGGCACACGGGCCGGGGTTGCTTCTGTG-3'

ClinVar aggregate classification (germline): Likely pathogenic. Review status: criteria provided, multiple submitters, no conflicts (2 of 4 stars). 3 submissions from 3 submitters: Likely pathogenic (3). Last evaluated 2024-02-08.

Conditions:
Pheochromocytoma/paraganglioma syndrome 5. Also called: Paragangliomas 5; SDHA-Related Hereditary Paraganglioma-Pheochromocytoma Syndrome. Identifiers: Orphanet 29072, MedGen C3279992, MONDO:0013602, OMIM 614165.
Mitochondrial complex II deficiency, nuclear type 1. Also called: SUCCINATE CoQ REDUCTASE DEFICIENCY. Identifiers: Orphanet 3208, MedGen C5700310, MONDO:0100294, OMIM 252011.
Hereditary cancer-predisposing syndrome. Also called: Tumor predisposition; Neoplastic Syndromes, Hereditary; Hereditary Cancer Syndrome; Hereditary neoplastic syndrome. Identifiers: Orphanet 140162, MedGen C0027672, MeSH D009386, MONDO:0015356.

Allele frequency attached by ClinVar (database versions not stated): gnomAD exomes below 0.00001.
gnomAD v4.1: 3 of 1,613,980 alleles (0.00019%); highest among the groups gnomAD compares: Non-Finnish European, 0.00025%; no homozygotes.

Submissions (3):

Myriad Genetics, Inc.
Classification: Likely pathogenic for Pheochromocytoma/paraganglioma syndrome 5. Last evaluated: 2024-02-08. Review status: criteria provided, single submitter. Criteria: Myriad Autosomal Dominant, Autosomal Recessive and X-Linked Classification Criteria (2023). Collection method: clinical testing. Allele origin: unknown.
Comment: This variant is considered likely pathogenic. This variant occurs within a consensus splice junction and is predicted to result in abnormal mRNA splicing of either an out-of-frame exon or an in-frame exon necessary for protein stability and/or normal function.

Labcorp Genetics (formerly Invitae), Labcorp
Classification: Likely pathogenic for Pheochromocytoma/paraganglioma syndrome 5; Mitochondrial complex II deficiency, nuclear type 1. Last evaluated: 2022-08-08. Review status: criteria provided, single submitter. Criteria: Invitae Variant Classification Sherloc (09022015). Collection method: clinical testing. Allele origin: germline.
Comment: In summary, the currently available evidence indicates that the variant is pathogenic, but additional data are needed to prove that conclusively. Therefore, this variant has been classified as Likely Pathogenic. Algorithms developed to predict the effect of sequence changes on RNA splicing suggest that this variant may disrupt the consensus splice site. ClinVar contains an entry for this variant (Variation ID: 651626). This variant has not been reported in the literature in individuals affected with SDHA-related conditions. This variant is not present in population databases (gnomAD no frequency). This sequence change affects a donor splice site in intron 8 of the SDHA gene. It is expected to disrupt RNA splicing. Variants that disrupt the donor or acceptor splice site typically lead to a loss of protein function (PMID: 16199547), and loss-of-function variants in SDHA are known to be pathogenic (PMID: 22974104, 24781757).

Ambry Genetics
Classification: Likely pathogenic for Hereditary cancer-predisposing syndrome. Last evaluated: 2015-11-10. Review status: criteria provided, single submitter. Criteria: Ambry Variant Classification Scheme 2023. Collection method: clinical testing. Allele origin: germline.
Comment: The c.1064+1G>T intronic variant results from a G to T substitution one nucleotide after coding exon 8 of the SDHA gene. This variant was not reported in population based cohorts in the following databases: Database of Single Nucleotide Polymorphisms (dbSNP), NHLBI Exome Sequencing Project (ESP), and 1000 Genomes Project. In the ESP, this variant was not observed in 6503 samples (13006 alleles) with coverage at this position. This nucleotide position is highly conserved in available vertebrate species. Using the BDGP and ESEfinder splice site prediction tools, this alteration is predicted to abolish the native splice donor site; however, direct evidence is unavailable. In addition, alterations that disrupt the canonical splice donor site are typically deleterious in nature (ACMG Recommendations for Standards for Interpretation and Reporting of Sequence Variations. Revision 2007. Genet Med. 2008;10:294). Based on the majority of available evidence to date, this variant is likely to be pathogenic.

Literature cited by the submitters: PubMed 16199547 (cited by Labcorp Genetics (formerly Invitae), Labcorp); PubMed 22974104 (cited by Labcorp Genetics (formerly Invitae), Labcorp); PubMed 24781757 (cited by Labcorp Genetics (formerly Invitae), Labcorp).